The following is an entry in ClinVar:

NM_000018.4(ACADVL):c.747G>A (p.Trp249Ter)

Gene: ACADVL (acyl-CoA dehydrogenase very long chain; plus strand). Cytogenetic location: 17p13.1.
Variant type: single nucleotide variant.
Coding change: c.747G>A on transcript NM_000018.4 (MANE Select); coding-DNA position 747, G replaced by A.
Protein change: p.Trp249Ter; replaces tryptophan 249 with a stop codon.
Molecular consequence: nonsense.
Genome position (GRCh38, 1-based): chr17:7,222,076, G>A. VCF-style: chr17-7222076-G-A. GRCh37 (hg19) VCF-style: chr17-7125395-G-A.
Other names: c.681G>A, p.Trp227Ter (NM_001033859.3); c.816G>A, p.Trp272Ter (NM_001270447.2); c.519G>A, p.Trp173Ter (NM_001270448.2); short protein forms W173*, W227*, W249*, W272*.
Identifiers: ClinVar variation 1437138 (VCV001437138.6), dbSNP rs141167669, ClinGen allele CA397723592.

ClinVar aggregate classification (germline): Pathogenic (1 of 4 stars; one submission).

Conditions:
Very long chain acyl-CoA dehydrogenase deficiency (ACADVLD). Also called: Very Long-Chain Acyl-Coenzyme A Dehydrogenase Deficiency; VLCAD Deficiency. Identifiers: Orphanet 26793, MedGen C3887523, MONDO:0008723, OMIM 201475.

gnomAD v4.1: 1 of 1,614,108 alleles (0.000062%); highest among the groups gnomAD compares: South Asian, 0.0011%; no homozygotes.

Submission:

Labcorp Genetics (formerly Invitae), Labcorp
Classification: Pathogenic for Very long chain acyl-CoA dehydrogenase deficiency. Last evaluated: 2020-11-05. Review status: criteria provided, single submitter. Criteria: Invitae Variant Classification Sherloc (09022015). Collection method: clinical testing. Allele origin: germline.
Comment: For these reasons, this variant has been classified as Pathogenic. This variant has not been reported in the literature in individuals with ACADVL-related conditions. This variant is not present in population databases (ExAC no frequency). This sequence change creates a premature translational stop signal (p.Trp249*) in the ACADVL gene. It is expected to result in an absent or disrupted protein product. Loss-of-function variants in ACADVL are known to be pathogenic (PMID: 9973285, 11590124).

Literature cited by the submitters: PubMed 9973285; PubMed 11590124.